The following is an entry in ClinVar:

NM_001148.6(ANK2):c.11706A>C (p.Lys3902Asn)

Gene: ANK2 (ankyrin 2; plus strand). Cytogenetic location: 4q26.
Variant type: single nucleotide variant.
Coding change: c.11706A>C on transcript NM_001148.6 (MANE Select); coding-DNA position 11706, A replaced by C.
Protein change: p.Lys3902Asn; replaces lysine 3902 with asparagine.
Molecular consequence: missense variant. On other transcripts: intron variant (9).
Genome position (GRCh38, 1-based): chr4:113,373,296, A>C. VCF-style: chr4-113373296-A-C. GRCh37 (hg19) VCF-style: chr4-114294452-A-C.
Other names: c.5424A>C, p.Lys1808Asn (NM_001127493.3); c.5463A>C, p.Lys1821Asn (NM_001354225.2); c.5445A>C, p.Lys1815Asn (NM_001354228.2); c.5430A>C, p.Lys1810Asn (NM_001354230.2); c.5586A>C, p.Lys1862Asn (NM_001354231.2); c.5580A>C, p.Lys1860Asn (NM_001354232.2); c.5541A>C, p.Lys1847Asn (NM_001354235.2); c.5349A>C, p.Lys1783Asn (NM_001354236.2); and 50 more; short protein forms K1000N, K1689N, K1742N, K1753N, K1762N, K1775N, K1800N, K1812N.
Identifiers: ClinVar variation 2585794 (VCV002585794.2), dbSNP rs930152524, ClinGen allele CA103827119.
Genomic context (GRCh38, chr4:113,373,296, plus strand): 5'-CATGGTACTGTCACACAAAAATAAGATACACAAATGAAATACATTTCAGGTTACTAGGAA[A>C]ATCATTAGGCGGTATGTATCCTCTGAAGGCACAGAGAAAGAAGAGATTATGGTGCAGGGA-3'
Protein context (NP_001139.3, residues 3892-3912): GHTVVKKVTR[Lys3902Asn]IIRRYVSSEG

ClinVar aggregate classification (germline): Uncertain significance (1 of 4 stars; one submission).

Conditions:
Cardiovascular phenotype. Identifiers: MedGen CN230736.

Submission:

Ambry Genetics
Classification: Uncertain significance for Cardiovascular phenotype. Last evaluated: 2023-07-18. Review status: criteria provided, single submitter. Criteria: Ambry Variant Classification Scheme 2023. Collection method: clinical testing. Allele origin: germline.
Comment: The p.K3902N variant (also known as c.11706A>C), located in coding exon 45 of the ANK2 gene, results from an A to C substitution at nucleotide position 11706. The lysine at codon 3902 is replaced by asparagine, an amino acid with similar properties. This amino acid position is conserved. In addition, the in silico prediction for this alteration is inconclusive. Since supporting evidence is limited at this time, the clinical significance of this alteration remains unclear.